The following is an entry in ClinVar:

ClinVar aggregate classification (germline): Uncertain significance (0 of 4 stars; one submission).

Conditions:
PKHD1-related disorder. Also called: PKHD1-related condition.

gnomAD v4.1: 9 of 1,614,040 alleles (0.00056%); highest among the groups gnomAD compares: South Asian, 0.0055%; no homozygotes.

Submission:

PreventionGenetics, part of Exact Sciences
Classification: Uncertain significance for PKHD1-related condition. Last evaluated: 2024-05-03. Review status: no assertion criteria provided. Collection method: clinical testing. Allele origin: germline.
Comment: The PKHD1 c.4571T>G variant is predicted to result in the amino acid substitution p.Leu1524Arg. To our knowledge, this variant has not been reported in the literature. This variant is reported in 0.013% of alleles in individuals of South Asian descent in gnomAD. At this time, the clinical significance of this variant is uncertain due to the absence of conclusive functional and genetic evidence.

NM_138694.4(PKHD1):c.4571T>G (p.Leu1524Arg)

Genes: PKHD1 (PKHD1 ciliary IPT domain containing fibrocystin/polyductin; minus strand), LOC126859690 (MED14-independent group 3 enhancer GRCh37_chr6:51888848-51890047; plus strand). Cytogenetic location: 6p12.2.
Variant type: single nucleotide variant.
Coding change: c.4571T>G on transcript NM_138694.4 (MANE Select); coding-DNA position 4571, T replaced by G.
Protein change: p.Leu1524Arg; replaces leucine 1524 with arginine.
Molecular consequence: missense variant.
Genome position (GRCh38, 1-based): chr6:52,025,239, A>C on the plus strand (T>G on the coding strand, the complement: PKHD1 is on the minus strand). VCF-style: chr6-52025239-A-C. GRCh37 (hg19) VCF-style: chr6-51890037-A-C.
Other names: c.4571T>G, p.Leu1524Arg (NM_170724.3); short protein forms L1524R.
Identifiers: ClinVar variation 3350999 (VCV003350999.1).